The following is an entry in ClinVar:

NM_001130004.2(ACTN1):c.2212C>G (p.Arg738Gly)

Gene: ACTN1 (actinin alpha 1; minus strand). Cytogenetic location: 14q24.1.
Variant type: single nucleotide variant.
Coding change: c.2212C>G on transcript NM_001130004.2 (MANE Select); coding-DNA position 2212, C replaced by G.
Protein change: p.Arg738Gly; replaces arginine 738 with glycine.
Molecular consequence: missense variant.
Genome position (GRCh38, 1-based): chr14:68,880,030, G>C on the plus strand (C>G on the coding strand, the complement: ACTN1 is on the minus strand). VCF-style: chr14-68880030-G-C. GRCh37 (hg19) VCF-style: chr14-69346747-G-C.
Other names: c.2212C>G, p.Arg738Gly (NM_001102.4, NM_001130005.2); short protein forms R738G.
Identifiers: ClinVar variation 872047 (VCV000872047.42), dbSNP rs387907349, ClinGen allele CA390181676.

ClinVar aggregate classification (germline): Conflicting classifications of pathogenicity. Review status: criteria provided, conflicting classifications (1 of 4 stars). 2 submissions from 2 submitters: Likely pathogenic (1); Uncertain significance (1). Last evaluated 2025-12-19.

Submissions (2):

Labcorp Genetics (formerly Invitae), Labcorp
Classification: Uncertain significance. Last evaluated: 2025-12-19. Review status: criteria provided, single submitter. Criteria: Invitae Variant Classification Sherloc (09022015). Collection method: clinical testing. Allele origin: germline.
Comment: This sequence change replaces arginine, which is basic and polar, with glycine, which is neutral and non-polar, at codon 738 of the ACTN1 protein (p.Arg738Gly). This variant is not present in population databases (gnomAD no frequency). This variant has not been reported in the literature in individuals affected with ACTN1-related conditions. ClinVar contains an entry for this variant (Variation ID: 872047). An algorithm developed to predict the effect of missense changes on protein structure and function (PolyPhen-2) suggests that this variant is likely to be disruptive. In summary, the available evidence is currently insufficient to determine the role of this variant in disease. Therefore, it has been classified as a Variant of Uncertain Significance.

CeGaT Center for Human Genetics Tuebingen
Classification: Likely pathogenic. Last evaluated: 2019-09-01. Review status: criteria provided, single submitter. Criteria: CeGaT Center For Human Genetics Tuebingen Variant Classification Criteria Version 2. Collection method: clinical testing. Allele origin: germline. Affected: yes. Observed: 1 variant allele.